The following is an entry in ClinVar:

NM_001035.3(RYR2):c.10825T>C (p.Tyr3609His)

Gene: RYR2 (ryanodine receptor 2; plus strand). Cytogenetic location: 1q43.
Variant type: single nucleotide variant.
Coding change: c.10825T>C on transcript NM_001035.3 (MANE Select); coding-DNA position 10825, T replaced by C.
Protein change: p.Tyr3609His; replaces tyrosine 3609 with histidine.
Molecular consequence: missense variant.
Genome position (GRCh38, 1-based): chr1:237,727,186, T>C. VCF-style: chr1-237727186-T-C. GRCh37 (hg19) VCF-style: chr1-237890486-T-C.
Other names: short protein forms Y3609H.
Identifiers: ClinVar variation 1939338 (VCV001939338.5), dbSNP rs1368077704, ClinGen allele CA345417047.
Genomic context (GRCh38, chr1:237,727,186, plus strand): 5'-AAACTACTGTCCAAGCAGAGGAAAAGGGCTGTTGTAGCCTGCTTCCGGATGGCCCCCTTA[T>C]ATAATCTGCCAAGGTCGGAATTACTTTATTTTTTGTAATAGATCAATGTTATTTTTTCCT-3'
Protein context (NP_001026.2, residues 3599-3619): VVACFRMAPL[Tyr3609His]NLPRHRAVNL

ClinVar aggregate classification (germline): Uncertain significance (1 of 4 stars; one submission).

Conditions:
Catecholaminergic polymorphic ventricular tachycardia 1. Also called: VENTRICULAR TACHYCARDIA, STRESS-INDUCED POLYMORPHIC 1; VENTRICULAR TACHYCARDIA, CATECHOLAMINERGIC POLYMORPHIC, 1, WITH OR WITHOUT ATRIAL DYSFUNCTION AND/OR DILATED CARDIOMYOPATHY; RYR2-Related Catecholaminergic Polymorphic Ventricular Tachycardia. Identifiers: Orphanet 3286, MedGen C1631597, MONDO:0011484, OMIM 604772.

Allele frequency attached by ClinVar (database versions not stated): gnomAD exomes below 0.00001.
gnomAD v4.1: 1 of 1,540,254 alleles (0.000065%); highest among the groups gnomAD compares: East Asian, 0.0023%; no homozygotes.

Submission:

Labcorp Genetics (formerly Invitae), Labcorp
Classification: Uncertain significance for Catecholaminergic polymorphic ventricular tachycardia 1. Last evaluated: 2024-10-18. Review status: criteria provided, single submitter. Criteria: Invitae Variant Classification Sherloc (09022015). Collection method: clinical testing. Allele origin: germline.
Comment: This sequence change replaces tyrosine, which is neutral and polar, with histidine, which is basic and polar, at codon 3609 of the RYR2 protein (p.Tyr3609His). This variant is not present in population databases (gnomAD no frequency). This variant has not been reported in the literature in individuals affected with RYR2-related conditions. ClinVar contains an entry for this variant (Variation ID: 1939338). Invitae Evidence Modeling of protein sequence and biophysical properties (such as structural, functional, and spatial information, amino acid conservation, physicochemical variation, residue mobility, and thermodynamic stability) indicates that this missense variant is expected to disrupt RYR2 protein function with a positive predictive value of 95%. In summary, the available evidence is currently insufficient to determine the role of this variant in disease. Therefore, it has been classified as a Variant of Uncertain Significance.